The following is an entry in ClinVar:

ClinVar aggregate classification (germline): Uncertain significance (1 of 4 stars; one submission).

Allele frequency attached by ClinVar (database versions not stated): ExAC 0.00007; ESP Exome Variant Server 0.00008; gnomAD 0.00009; gnomAD exomes 0.00009 and 0.00017; TOPMed 0.00010; 1000 Genomes Project 30x 0.00016; 1000 Genomes Project 0.00020.
gnomAD v4.1: 268 of 1,610,118 alleles (0.017%); highest among the groups gnomAD compares: Middle Eastern, 0.05%; no homozygotes.

Submission:

Labcorp Genetics (formerly Invitae), Labcorp
Classification: Uncertain significance. Last evaluated: 2025-12-01. Review status: criteria provided, single submitter. Criteria: Invitae Variant Classification Sherloc (09022015). Collection method: clinical testing. Allele origin: germline.
Comment: This sequence change replaces methionine, which is neutral and non-polar, with valine, which is neutral and non-polar, at codon 315 of the CARD8 protein (p.Met315Val). This variant is present in population databases (rs140600610, gnomAD 0.02%). This variant has not been reported in the literature in individuals affected with CARD8-related conditions. ClinVar contains an entry for this variant (Variation ID: 1420682). An algorithm developed to predict the effect of missense changes on protein structure and function outputs the following: PolyPhen-2: "Benign". The valine amino acid residue is found in multiple mammalian species, which suggests that this missense change does not adversely affect protein function. In summary, the available evidence is currently insufficient to determine the role of this variant in disease. Therefore, it has been classified as a Variant of Uncertain Significance.

NM_001184900.3(CARD8):c.1093A>G (p.Met365Val)

Gene: CARD8 (caspase recruitment domain family member 8; minus strand). Cytogenetic location: 19q13.33.
Variant type: single nucleotide variant.
Coding change: c.1093A>G on transcript NM_001184900.3 (MANE Select); coding-DNA position 1093, A replaced by G.
Protein change: p.Met365Val; replaces methionine 365 with valine.
Molecular consequence: missense variant. On other transcripts: non-coding transcript variant (3).
Genome position (GRCh38, 1-based): chr19:48,221,798, T>C on the plus strand (A>G on the coding strand, the complement: CARD8 is on the minus strand). VCF-style: chr19-48221798-T-C. GRCh37 (hg19) VCF-style: chr19-48725055-T-C.
Other names: c.943A>G, p.Met315Val (NM_001184901.1, NM_001351783.2, NM_001351788.2 and 2 more transcripts); c.1093A>G, p.Met365Val (NM_001184902.2, NM_001184903.1, NM_001351782.2); c.778A>G, p.Met260Val (NM_001351784.2, NM_001351787.2, NM_001351791.2 and 1 more transcripts); c.757A>G, p.Met253Val (NM_001351786.2); c.850A>G, p.Met284Val (NM_001351790.2); c.775A>G, p.Met259Val (NM_001365950.1); short protein forms M260V, M284V, M259V, M315V, M253V, M365V.
Identifiers: ClinVar variation 1420682 (VCV001420682.8), dbSNP rs140600610, ClinGen allele CA9547796.